The following is an entry in ClinVar:

NM_017588.3(WDR5):c.541C>T (p.Arg181Cys)

Gene: WDR5 (WD repeat domain 5; plus strand). Cytogenetic location: 9q34.2.
Variant type: single nucleotide variant.
Coding change: c.541C>T on transcript NM_017588.3 (MANE Select); coding-DNA position 541, C replaced by T.
Protein change: p.Arg181Cys; replaces arginine 181 with cysteine.
Molecular consequence: missense variant.
Genome position (GRCh38, 1-based): chr9:134,148,300, C>T. VCF-style: chr9-134148300-C-T. GRCh37 (hg19) VCF-style: chr9-137013422-C-T.
Other names: c.541C>T, p.Arg181Cys (NM_001384409.1, NM_001384410.1, NM_001384411.1 and 5 more transcripts); c.538C>T, p.Arg180Cys (NM_001384416.1); c.532C>T, p.Arg178Cys (NM_001384417.1); c.412C>T, p.Arg138Cys (NM_001384418.1, NM_001384419.1); short protein forms R138C, R178C, R180C, R181C.
Identifiers: ClinVar variation 5037237 (VCV005037237.1).

ClinVar aggregate classification (germline): Uncertain significance (1 of 4 stars; one submission).

Submission:

GeneDx
Classification: Uncertain significance. Last evaluated: 2026-04-15. Review status: criteria provided, single submitter. Criteria: GeneDx Variant Classification Process June 2021. Collection method: clinical testing. Allele origin: germline.
Comment: Not observed at significant frequency in large population cohorts (gnomAD); In silico analysis supports that this missense variant has a deleterious effect on protein structure/function; Has not been previously published as pathogenic or benign to our knowledge; In silico analysis is inconclusive as to whether the variant alters gene splicing. In the absence of RNA/functional studies, the actual effect of this sequence change is unknown.